The following is an entry in ClinVar:

ClinVar aggregate classification (germline): Uncertain significance (1 of 4 stars; one submission).

Conditions:
Encephalopathy, acute, infection-induced (herpes-specific), susceptibility to, 6. Also called: Herpes simplex encephalitis, susceptibility to, 4. Identifiers: Orphanet 1930, MedGen C3553869, MONDO:0013921, OMIM 614850.

Allele frequency attached by ClinVar (database versions not stated): gnomAD exomes 0.00001 and below 0.00001; TOPMed 0.00001.
gnomAD v4.1: 2 of 1,614,048 alleles (0.00012%); highest among the groups gnomAD compares: African/African-American, 0.0013%; no homozygotes.

Submission:

Labcorp Genetics (formerly Invitae), Labcorp
Classification: Uncertain significance for Encephalopathy, acute, infection-induced (herpes-specific), susceptibility to, 6. Last evaluated: 2019-06-09. Review status: criteria provided, single submitter. Criteria: Invitae Variant Classification Sherloc (09022015). Collection method: clinical testing. Allele origin: germline.
Comment: In summary, the available evidence is currently insufficient to determine the role of this variant in disease. Therefore, it has been classified as a Variant of Uncertain Significance. Algorithms developed to predict the effect of missense changes on protein structure and function are either unavailable or do not agree on the potential impact of this missense change (SIFT: "Tolerated"; PolyPhen-2: "Possibly Damaging"; Align-GVGD: "Class C0"). This variant has not been reported in the literature in individuals with TICAM1-related conditions. This variant is not present in population databases (ExAC no frequency). This sequence change replaces serine with leucine at codon 390 of the TICAM1 protein (p.Ser390Leu). The serine residue is moderately conserved and there is a large physicochemical difference between serine and leucine.

NM_182919.4(TICAM1):c.1169C>T (p.Ser390Leu)

Gene: TICAM1 (TIR domain containing adaptor molecule 1; minus strand). Cytogenetic location: 19p13.3.
Variant type: single nucleotide variant.
Coding change: c.1169C>T on transcript NM_182919.4 (MANE Select); coding-DNA position 1169, C replaced by T.
Protein change: p.Ser390Leu; replaces serine 390 with leucine.
Molecular consequence: missense variant.
Genome position (GRCh38, 1-based): chr19:4,817,209, G>A on the plus strand (C>T on the coding strand, the complement: TICAM1 is on the minus strand). VCF-style: chr19-4817209-G-A. GRCh37 (hg19) VCF-style: chr19-4817221-G-A.
Other names: short protein forms S390L.
Identifiers: ClinVar variation 948705 (VCV000948705.10), dbSNP rs867839844, ClinGen allele CA304547677.
Genomic context (GRCh38, chr19:4,817,209, plus strand): 5'-AGGGCGATGTGTTCGTCTGCCCTGGCGTGGAGGATCACAAAGTTATAGAATTTCTGTTCC[G>A]ATGATGATTCCAGGGAGGAAGGGAACAGGGAGGAGGGGGTCAGGTGAGCTGAACAAGGAG-3'
Protein context (NP_891549.1, residues 380-400): SLFPSSLESS[Ser390Leu]EQKFYNFVIL